The following is an entry in ClinVar:

NM_003334.4(UBA1):c.2071G>C (p.Val691Leu)

Gene: UBA1 (ubiquitin like modifier activating enzyme 1; plus strand). Cytogenetic location: Xp11.3.
Variant type: single nucleotide variant.
Coding change: c.2071G>C on transcript NM_003334.4 (MANE Select); coding-DNA position 2071, G replaced by C.
Protein change: p.Val691Leu; replaces valine 691 with leucine.
Molecular consequence: missense variant.
Genome position (GRCh38, 1-based): chrX:47,209,995, G>C. VCF-style: chrX-47209995-G-C. GRCh37 (hg19) VCF-style: chrX-47069394-G-C.
Other names: c.2071G>C (NM_003334.3); c.2071G>C, p.Val691Leu (NM_153280.3); short protein forms V691L.
Identifiers: ClinVar variation 2891544 (VCV002891544.4), dbSNP rs1936855555, ClinGen allele CA412806662.

ClinVar aggregate classification (germline): Uncertain significance. Review status: criteria provided, multiple submitters, no conflicts (2 of 4 stars). 2 submissions from 2 submitters: Uncertain significance (2). Last evaluated 2024-07-31.

Conditions:
Inborn genetic diseases. Identifiers: MedGen C0950123, MeSH D030342.
Infantile-onset X-linked spinal muscular atrophy. Also called: Spinal muscular atrophy, X-linked 2; SPINAL MUSCULAR ATROPHY, X-LINKED LETHAL INFANTILE; Spinal Muscular Atrophy, X-Linked Infantile; ARTHROGRYPOSIS, X-LINKED, TYPE I; AMC, DISTAL, X-LINKED. Identifiers: Orphanet 1145, MedGen C1844934, MONDO:0010532, OMIM 301830.

Allele frequency attached by ClinVar (database versions not stated): gnomAD exomes below 0.00001.
gnomAD v4.1: 1 of 1,212,208 alleles (0.000082%); highest among the groups gnomAD compares: African/African-American, 0.0017%; no homozygotes.

Submissions (2):

Ambry Genetics
Classification: Uncertain significance for Inborn genetic diseases. Last evaluated: 2024-07-31. Review status: criteria provided, single submitter. Criteria: Ambry Variant Classification Scheme 2023. Collection method: clinical testing. Allele origin: germline.

Labcorp Genetics (formerly Invitae), Labcorp
Classification: Uncertain significance for Infantile-onset X-linked spinal muscular atrophy. Last evaluated: 2022-12-16. Review status: criteria provided, single submitter. Criteria: Invitae Variant Classification Sherloc (09022015). Collection method: clinical testing. Allele origin: germline.
Comment: This sequence change replaces valine, which is neutral and non-polar, with leucine, which is neutral and non-polar, at codon 691 of the UBA1 protein (p.Val691Leu). This variant is not present in population databases (gnomAD no frequency). This variant has not been reported in the literature in individuals affected with UBA1-related conditions. Algorithms developed to predict the effect of missense changes on protein structure and function output the following: SIFT: "Deleterious"; PolyPhen-2: "Benign"; Align-GVGD: "Class C0". The leucine amino acid residue is found in multiple mammalian species, which suggests that this missense change does not adversely affect protein function. In summary, the available evidence is currently insufficient to determine the role of this variant in disease. Therefore, it has been classified as a Variant of Uncertain Significance.